The following is an entry in ClinVar:

NC_000002.11:g.(?_39278265)_(39347583_?)dup

Genes: SOS1 (SOS Ras/Rac guanine nucleotide exchange factor 1; minus strand), LOC129933533 (ATAC-STARR-seq lymphoblastoid silent region 11383; plus strand), LOC129933534 (ATAC-STARR-seq lymphoblastoid active region 15612; plus strand), LOC129933535 (ATAC-STARR-seq lymphoblastoid silent region 11384; plus strand). Cytogenetic location: 2p22.1.
Variant type: Duplication.
Identifiers: ClinVar variation 644827 (VCV000644827.1).

ClinVar aggregate classification (germline): Uncertain significance (1 of 4 stars; one submission).

Conditions:
RASopathy. Also called: rasopathies; Noonan spectrum disorder. Identifiers: Orphanet 536391, MedGen C5555857, MONDO:0021060.

Submission:

Labcorp Genetics (formerly Invitae), Labcorp
Classification: Uncertain significance for Rasopathy. Last evaluated: 2018-11-09. Review status: criteria provided, single submitter. Criteria: Invitae Variant Classification Sherloc (09022015). Collection method: clinical testing. Allele origin: germline.
Comment: This variant results in a copy number gain of the genomic region encompassing exons 1-6 of the SOS1 gene. The 5' end of this event is unknown as it extends beyond the assayed region for this gene and therefore may encompass additional genes. The 3' boundary is likely confined to intron 6 of the SOS1 gene. As the precise location of this event is unknown, it may be in tandem or it may be located elsewhere in the genome. This variant has not been reported in the literature in individuals with SOS1-related disease. In summary, the available evidence is currently insufficient to determine the role of this variant in disease. Therefore, it has been classified as a Variant of Uncertain Significance.